The following is an entry in ClinVar:

NM_000130.5(F5):c.986G>A (p.Cys329Tyr)

Gene: F5 (coagulation factor V; minus strand). Cytogenetic location: 1q24.2.
Variant type: single nucleotide variant.
Coding change: c.986G>A on transcript NM_000130.5 (MANE Select); coding-DNA position 986, G replaced by A.
Protein change: p.Cys329Tyr; replaces cysteine 329 with tyrosine.
Molecular consequence: missense variant.
Genome position (GRCh38, 1-based): chr1:169,555,314, C>T on the plus strand (G>A on the coding strand, the complement: F5 is on the minus strand). VCF-style: chr1-169555314-C-T. GRCh37 (hg19) VCF-style: chr1-169524552-C-T.
Other names: short protein forms C329Y.
Identifiers: ClinVar variation 1684392 (VCV001684392.1), dbSNP rs574459300, ClinGen allele CA1234458.
Genomic context (GRCh38, chr1:169,555,314, plus strand): 5'-CTCTTCATGTGCCGCCTCTGCTCACGAGTTATTTTCTTAAGATTCCTGGTTTTCTTTGGG[C>T]AGTTTTTAATGTCAATGTAAGCCTGCATCCCAGCTGAGTTAGGACAGAAAGACAATGAAA-3'
Protein context (NP_000121.2, residues 319-339): GMQAYIDIKN[Cys329Tyr]PKKTRNLKKI

ClinVar aggregate classification (germline): Uncertain significance (0 of 4 stars; one submission).

Conditions:
Factor V deficiency. Also called: Reduced coagulation factor V activity. Identifiers: Orphanet 326, MedGen C4317320, MONDO:0020586, HP:0003225.

gnomAD v4.1: 2 of 1,614,028 alleles (0.00012%); highest among the groups gnomAD compares: South Asian, 0.0022%; no homozygotes.

Submission:

ISTH-SSC Genomics in Thrombosis and Hemostasis, KU Leuven, Center for Molecular and Vascular Biology
Classification: Uncertain significance for Congenital factor V deficiency. Review status: no assertion criteria provided. Collection method: research. Allele origin: unknown. Affected: yes.
Comment: Submitted to GoldVariant by Dr Karyn Mégy from NIHR Bioresource - Cambridge University, UK